The following is an entry in ClinVar:

NM_000487.6(ARSA):c.316G>A (p.Glu106Lys)

Gene: ARSA (arylsulfatase A; minus strand). Cytogenetic location: 22q13.33.
Variant type: single nucleotide variant.
Coding change: c.316G>A on transcript NM_000487.6 (MANE Select); coding-DNA position 316, G replaced by A.
Protein change: p.Glu106Lys; replaces glutamic acid 106 with lysine.
Molecular consequence: missense variant.
Genome position (GRCh38, 1-based): chr22:50,627,315, C>T on the plus strand (G>A on the coding strand, the complement: ARSA is on the minus strand). VCF-style: chr22-50627315-C-T. GRCh37 (hg19) VCF-style: chr22-51065743-C-T.
Other names: c.316G>A, p.Glu106Lys (NM_001085425.3, NM_001085426.3, NM_001085427.3); c.58G>A, p.Glu20Lys (NM_001085428.3, NM_001362782.2); short protein forms E106K, E20K.
Identifiers: ClinVar variation 5043362 (VCV005043362.1).

ClinVar aggregate classification (germline): Pathogenic (1 of 4 stars; one submission).

Conditions:
Metachromatic leukodystrophy (MLD). Also called: SULFATIDE LIPIDOSIS; ARSA DEFICIENCY; CEREBROSIDE SULFATASE DEFICIENCY; METACHROMATIC LEUKOENCEPHALOPATHY; Cerebral sclerosis diffuse metachromatic form; Arylsulfatase A Deficiency. Identifiers: Orphanet 512, MedGen C0023522, MONDO:0018868, OMIM 250100.

gnomAD v4.1: 1 of 1,588,532 alleles (0.000063%); highest among the groups gnomAD compares: Non-Finnish European, 0.000086%; no homozygotes.

Submission:

Cellular and Molecular Research Center, Cellular and Molecular Medicine Research Institute,, Urmia University of Medical Sciences
Classification: Pathogenic for Metachromatic leukodystrophy. Last evaluated: 2026-10-19. Review status: criteria provided, single submitter. Criteria: ACMG Guidelines, 2015. Collection method: clinical testing. Allele origin: germline. Inheritance: Autosomal recessive inheritance. Affected: yes. Observed: 1 variant allele, 1 compound heterozygote.
Comment: The ARSA gene encodes arylsulfatase A, a lysosomal enzyme essential for sulfatide degradation. Biallelic pathogenic variants in ARSA cause metachromatic leukodystrophy (MLD), an autosomal recessive disorder characterized by progressive demyelination of the central and peripheral nervous systems. The variant c.316G>A, p.(Glu106Lys) is a missense transition resulting in the substitution of glutamic acid with lysine at amino acid position 106. This variant was previously reported in a patient with infantile-onset MLD in a 2024 case report, in combination with another pathogenic ARSA variant. It may impair arylsulfatase A activity, leading to sulfatide accumulation and progressive myelin damage. The previous clinical report, together with the segregation pattern, supports its potential pathogenic role in ARSA-related MLD.

Literature cited by the submitters: DOI 10.35366/119375.